The following is an entry in ClinVar:

ClinVar aggregate classification (germline): Likely benign (1 of 4 stars; one submission).

Conditions:
TRPC5-related disorder. Also called: TRPC5-related condition.

gnomAD v4.1: 14 of 1,209,273 alleles (0.0012%); highest among the groups gnomAD compares: East Asian, 0.027%; no homozygotes.

Submission:

PreventionGenetics, part of Exact Sciences
Classification: Likely benign for TRPC5-related condition. Last evaluated: 2026-04-30. Review status: criteria provided, single submitter. Criteria: ACMG Guidelines, 2015. Collection method: clinical testing. Allele origin: germline.
Comment: This variant is classified as likely benign based on ACMG/AMP sequence variant interpretation guidelines (Richards et al. 2015 PMID: 25741868, with internal and published modifications).

NM_012471.3(TRPC5):c.1507T>C (p.Leu503=)

Gene: TRPC5 (transient receptor potential cation channel subfamily C member 5; minus strand). Cytogenetic location: Xq23.
Variant type: single nucleotide variant.
Coding change: c.1507T>C on transcript NM_012471.3 (MANE Select); coding-DNA position 1507, T replaced by C.
Protein change: p.Leu503=; no amino-acid change (leucine 503 retained).
Molecular consequence: synonymous variant.
Genome position (GRCh38, 1-based): chrX:111,847,307, A>G on the plus strand (T>C on the coding strand, the complement: TRPC5 is on the minus strand). VCF-style: chrX-111847307-A-G. GRCh37 (hg19) VCF-style: chrX-111090535-A-G.
Identifiers: ClinVar variation 4977212 (VCV004977212.1).